The following is an entry in ClinVar:

ClinVar aggregate classification (germline): Uncertain significance. Review status: criteria provided, multiple submitters, no conflicts (2 of 4 stars). 2 submissions from 2 submitters: Uncertain significance (2). Last evaluated 2024-04-11.

Allele frequency attached by ClinVar (database versions not stated): 1000 Genomes Project 30x 0.00016; gnomAD 0.00017; TOPMed 0.00019; 1000 Genomes Project 0.00020; ExAC 0.00025; gnomAD exomes 0.00032; ESP Exome Variant Server 0.00044.
gnomAD v4.1: 463 of 1,551,734 alleles (0.03%); highest among the groups gnomAD compares: Non-Finnish European, 0.037%; no homozygotes.

Submissions (2):

GeneDx
Classification: Uncertain significance. Last evaluated: 2024-04-11. Review status: criteria provided, single submitter. Criteria: GeneDx Variant Classification Process June 2021. Collection method: clinical testing. Allele origin: germline. Affected: yes.
Comment: In silico analysis supports that this missense variant has a deleterious effect on protein structure/function; Has not been previously published as pathogenic or benign to our knowledge; Variants in candidate genes are classified as variants of uncertain significance in accordance with ACMG guidelines (PMID: 25741868)

Ambry Genetics
Classification: Uncertain significance. Last evaluated: 2023-12-12. Review status: criteria provided, single submitter. Criteria: Ambry Variant Classification Scheme 2023. Collection method: clinical testing. Allele origin: germline.

NM_144666.3(DNHD1):c.7663C>T (p.Arg2555Trp)

Gene: DNHD1 (dynein heavy chain domain 1; plus strand). Cytogenetic location: 11p15.4.
Variant type: single nucleotide variant.
Coding change: c.7663C>T on transcript NM_144666.3 (MANE Select); coding-DNA position 7663, C replaced by T.
Protein change: p.Arg2555Trp; replaces arginine 2555 with tryptophan.
Molecular consequence: missense variant.
Genome position (GRCh38, 1-based): chr11:6,556,958, C>T. VCF-style: chr11-6556958-C-T. GRCh37 (hg19) VCF-style: chr11-6578188-C-T.
Other names: short protein forms R2555W.
Identifiers: ClinVar variation 3084739 (VCV003084739.2), dbSNP rs201647786, ClinGen allele CA5856248.
Genomic context (GRCh38, chr11:6,556,958, plus strand): 5'-CTGCTGGAAAGACATGTGCCTATCATTCAGGCTTGGCTTGAGCGTTTCCCTTCTGTGGAA[C>T]GGGAGCGTGCTCTGGCACGAGGTCTGGTTAGGGCCTCAGTAGAGGCCTGGGAGGCTGTGT-3'
Protein context (NP_653267.2, residues 2545-2565): AWLERFPSVE[Arg2555Trp]ERALARGLVR